The following is an entry in ClinVar:

ClinVar aggregate classification (germline): Uncertain significance (1 of 4 stars; one submission).

Conditions:
Cystic fibrosis (CF). Also called: MUCOVISCIDOSIS. Identifiers: Orphanet 586, MedGen C0010674, MONDO:0009061, OMIM 219700. Disease mechanism: loss of function.

Submission:

Labcorp Genetics (formerly Invitae), Labcorp
Classification: Uncertain significance for Cystic fibrosis. Last evaluated: 2024-11-06. Review status: criteria provided, single submitter. Criteria: Invitae Variant Classification Sherloc (09022015). Collection method: clinical testing. Allele origin: germline.
Comment: This sequence change replaces lysine, which is basic and polar, with isoleucine, which is neutral and non-polar, at codon 968 of the CFTR protein (p.Lys968Ile). This variant is not present in population databases (gnomAD no frequency). This variant has not been reported in the literature in individuals affected with CFTR-related conditions. Invitae Evidence Modeling of protein sequence and biophysical properties (such as structural, functional, and spatial information, amino acid conservation, physicochemical variation, residue mobility, and thermodynamic stability) indicates that this missense variant is expected to disrupt CFTR protein function with a positive predictive value of 80%. In summary, the available evidence is currently insufficient to determine the role of this variant in disease. Therefore, it has been classified as a Variant of Uncertain Significance.

NM_000492.4(CFTR):c.2903A>T (p.Lys968Ile)

Gene: CFTR (CF transmembrane conductance regulator; plus strand). Cytogenetic location: 7q31.2.
Variant type: single nucleotide variant.
Coding change: c.2903A>T on transcript NM_000492.4 (MANE Select); coding-DNA position 2903, A replaced by T.
Protein change: p.Lys968Ile; replaces lysine 968 with isoleucine.
Molecular consequence: missense variant.
Genome position (GRCh38, 1-based): chr7:117,603,777, A>T. VCF-style: chr7-117603777-A-T. GRCh37 (hg19) VCF-style: chr7-117243831-A-T.
Other names: short protein forms K968I.
Identifiers: ClinVar variation 3658962 (VCV003658962.2).